The following is an entry in ClinVar:

NM_004329.3(BMPR1A):c.209A>G (p.Asp70Gly)

Gene: BMPR1A (bone morphogenetic protein receptor type 1A; plus strand). Cytogenetic location: 10q23.2.
Variant type: single nucleotide variant.
Coding change: c.209A>G on transcript NM_004329.3 (MANE Select); coding-DNA position 209, A replaced by G.
Protein change: p.Asp70Gly; replaces aspartic acid 70 with glycine.
Molecular consequence: missense variant.
Genome position (GRCh38, 1-based): chr10:86,890,203, A>G. VCF-style: chr10-86890203-A-G. GRCh37 (hg19) VCF-style: chr10-88649960-A-G.
Other names: short protein forms D70G.
Identifiers: ClinVar variation 1348260 (VCV001348260.8), dbSNP rs1060503394, ClinGen allele CA377447163.
Genomic context (GRCh38, chr10:86,890,203, plus strand): 5'-TAGCACCAGAGGATACCTTGCCTTTTTTAAAGTGCTATTGCTCAGGGCACTGTCCAGATG[A>G]TGCTATTAATAACACATGCATGTAAGTATTTTATGCAGCCCTTCTTAAGAGTTAGGAGAA-3'
Protein context (NP_004320.2, residues 60-80): KCYCSGHCPD[Asp70Gly]AINNTCITNG

ClinVar aggregate classification (germline): Uncertain significance (1 of 4 stars; one submission).

Conditions:
Juvenile polyposis syndrome (JPS). Identifiers: Orphanet 2929, MedGen C0345893, MONDO:0017380, OMIM 174900.

Allele frequency attached by ClinVar (database versions not stated): gnomAD exomes below 0.00001.
gnomAD v4.1: 1 of 1,614,168 alleles (0.000062%); highest among the groups gnomAD compares: Non-Finnish European, 0.000085%; no homozygotes.

Submission:

Labcorp Genetics (formerly Invitae), Labcorp
Classification: Uncertain significance for Juvenile polyposis syndrome. Last evaluated: 2025-09-10. Review status: criteria provided, single submitter. Criteria: Invitae Variant Classification Sherloc (09022015). Collection method: clinical testing. Allele origin: germline.
Comment: This sequence change replaces aspartic acid, which is acidic and polar, with glycine, which is neutral and non-polar, at codon 70 of the BMPR1A protein (p.Asp70Gly). This variant is not present in population databases (gnomAD no frequency). This variant has not been reported in the literature in individuals affected with BMPR1A-related conditions. ClinVar contains an entry for this variant (Variation ID: 1348260). Invitae Evidence Modeling of protein sequence and biophysical properties (such as structural, functional, and spatial information, amino acid conservation, physicochemical variation, residue mobility, and thermodynamic stability) indicates that this missense variant is not expected to disrupt BMPR1A protein function with a negative predictive value of 80%. In summary, the available evidence is currently insufficient to determine the role of this variant in disease. Therefore, it has been classified as a Variant of Uncertain Significance.